The following is an entry in ClinVar:

ClinVar aggregate classification (germline): Uncertain significance (1 of 4 stars; one submission).

Conditions:
Familial adenomatous polyposis 1 (FAP1). Also called: FAMILIAL ADENOMATOUS POLYPOSIS 1, ATTENUATED; POLYPOSIS, ADENOMATOUS INTESTINAL. Identifiers: MedGen C2713442, MONDO:0021056, OMIM 175100. Disease mechanism: loss of function.

Submission:

Labcorp Genetics (formerly Invitae), Labcorp
Classification: Uncertain significance for Familial adenomatous polyposis 1. Last evaluated: 2025-12-17. Review status: criteria provided, single submitter. Criteria: Invitae Variant Classification Sherloc (09022015). Collection method: clinical testing. Allele origin: germline.
Comment: This variant occurs in a non-coding region of the APC gene. It does not change the encoded amino acid sequence of the APC protein. This variant is not present in population databases (gnomAD no frequency). This variant has not been reported in the literature in individuals affected with APC-related conditions. Experimental studies and prediction algorithms are not available or were not evaluated, and the functional significance of this variant is currently unknown. In summary, the available evidence is currently insufficient to determine the role of this variant in disease. Therefore, it has been classified as a Variant of Uncertain Significance.

NM_001127511.3(APC):c.-197A>G

Genes: APC (APC regulator of Wnt signaling pathway; plus strand), LOC129994371 (ATAC-STARR-seq lymphoblastoid active region 22910; plus strand). Cytogenetic location: 5q22.2.
Variant type: single nucleotide variant.
Coding change: c.-197A>G on transcript NM_001127511.3; 197 bases upstream of the start codon, A replaced by G.
Molecular consequence: 5 prime UTR variant. On other transcripts: non-coding transcript variant (2).
Genome position (GRCh38, 1-based): chr5:112,707,521, A>G. VCF-style: chr5-112707521-A-G. GRCh37 (hg19) VCF-style: chr5-112043218-A-G.
Other names: c.-380A>G (NM_001354895.2, NM_001407447.1, NM_001407452.1 and 3 more transcripts); c.-197A>G (NM_001354897.2, NM_001354902.2, NM_001407446.1); c.-147A>G (NM_001407448.1, NM_001407450.1, NM_001407457.1 and 1 more transcripts); c.-171A>G (NM_001407453.1); c.-1415A>G (NM_001407470.1, NM_001407472.1).
Identifiers: ClinVar variation 1056878 (VCV001056878.7), dbSNP rs1750570165, ClinGen allele CA2499217381.
Genomic context (GRCh38, chr5:112,707,521, plus strand): 5'-CGGGCTGTGGGAAGCCAGCAACACCTCTCACGCATGCGCATTGTAGTCTTCCCACCTCCC[A>G]CAAGATGGCGGAGGGCAAGTAGCAAGGGGGCGGGGTGTGGCCGCCGGAAGCCTAGCCGCT-3'